The following is an entry in ClinVar:

NM_000548.5(TSC2):c.4889dup (p.Asp1631fs)

Gene: TSC2 (TSC complex subunit 2; plus strand). Cytogenetic location: 16p13.3.
Variant type: Duplication.
Coding change: c.4889dup on transcript NM_000548.5 (MANE Select); coding-DNA position 4889, one base duplicated (T; older notation c.4889dupT).
Protein change: p.Asp1631fs; shifts the reading frame from aspartic acid 1631.
Molecular consequence: frameshift variant.
Genome position (GRCh38, 1-based): chr16:2,086,771, T duplicated. VCF-style (leftmost placement, unchanged base first): chr16-2086770-G-GT. GRCh37 (hg19) VCF-style: chr16-2136771-G-GT.
Other names: c.4688dup, p.Asp1564fs (NM_001077183.3); c.4820dup, p.Asp1608fs (NM_001114382.3); c.4580dup, p.Asp1528fs (NM_001318827.2); c.4544dup, p.Asp1516fs (NM_001318829.2); c.4157dup, p.Asp1387fs (NM_001318831.2); c.4721dup, p.Asp1575fs (NM_001318832.2); c.4691dup, p.Asp1565fs (NM_001363528.2); c.4757dup, p.Asp1587fs (NM_001370404.1); and 1 more; short protein forms D1387fs, D1564fs, D1608fs, D1631fs, D1516fs, D1528fs, D1575fs, D1587fs.
Identifiers: ClinVar variation 1453018 (VCV001453018.6), dbSNP rs2151585509, ClinGen allele CA2573151956.

ClinVar aggregate classification (germline): Pathogenic (1 of 4 stars; one submission).

Conditions:
Tuberous sclerosis 2 (TSC2). Identifiers: Orphanet 805, MedGen C1860707, MONDO:0013199, OMIM 613254.

Submission:

Labcorp Genetics (formerly Invitae), Labcorp
Classification: Pathogenic for Tuberous sclerosis 2. Last evaluated: 2021-05-19. Review status: criteria provided, single submitter. Criteria: Invitae Variant Classification Sherloc (09022015). Collection method: clinical testing. Allele origin: germline.
Comment: For these reasons, this variant has been classified as Pathogenic. This sequence change creates a premature translational stop signal (p.Asp1631Glyfs*22) in the TSC2 gene. It is expected to result in an absent or disrupted protein product. Loss-of-function variants in TSC2 are known to be pathogenic (PMID: 10205261, 17304050). This variant is not present in population databases (ExAC no frequency). This variant has not been reported in the literature in individuals with TSC2-related conditions.

Literature cited by the submitters: PubMed 10205261; PubMed 17304050.